The following is an entry in ClinVar:

ClinVar aggregate classification (germline): Uncertain significance (1 of 4 stars; one submission).

Submission:

Labcorp Genetics (formerly Invitae), Labcorp
Classification: Uncertain significance. Last evaluated: 2024-01-04. Review status: criteria provided, single submitter. Criteria: Invitae Variant Classification Sherloc (09022015). Collection method: clinical testing. Allele origin: germline.
Comment: This sequence change affects codon 302 of the GFAP mRNA. It is a 'silent' change, meaning that it does not change the encoded amino acid sequence of the GFAP protein. This variant also falls at the last nucleotide of exon 5, which is part of the consensus splice site for this exon. This variant is not present in population databases (gnomAD no frequency). This variant has not been reported in the literature in individuals affected with GFAP-related conditions. Variants that disrupt the consensus splice site are a relatively common cause of aberrant splicing (PMID: 17576681, 9536098). Algorithms developed to predict the effect of sequence changes on RNA splicing suggest that this variant is not likely to affect RNA splicing. In summary, the available evidence is currently insufficient to determine the role of this variant in disease. Therefore, it has been classified as a Variant of Uncertain Significance.

Literature cited by the submitters: PubMed 17576681; PubMed 9536098.

NM_002055.5(GFAP):c.906G>T (p.Thr302=)

Gene: GFAP (glial fibrillary acidic protein; minus strand). Cytogenetic location: 17q21.31.
Variant type: single nucleotide variant.
Coding change: c.906G>T on transcript NM_002055.5 (MANE Select); coding-DNA position 906, G replaced by T.
Protein change: p.Thr302=; no amino-acid change (threonine 302 retained).
Molecular consequence: synonymous variant.
Genome position (GRCh38, 1-based): chr17:44,911,672, C>A on the plus strand (G>T on the coding strand, the complement: GFAP is on the minus strand). VCF-style: chr17-44911672-C-A. GRCh37 (hg19) VCF-style: chr17-42989040-C-A.
Other names: c.906G>T, p.Thr302= (NM_001131019.3, NM_001242376.3, NM_001363846.2).
Identifiers: ClinVar variation 2821315 (VCV002821315.3), dbSNP rs1208766068, ClinGen allele CA500321365.